The following is an entry in ClinVar:

ClinVar aggregate classification (germline): Uncertain significance (1 of 4 stars; one submission).

Allele frequency attached by ClinVar (database versions not stated): TOPMed 0.00001.

Submission:

GeneDx
Classification: Uncertain significance. Last evaluated: 2022-10-13. Review status: criteria provided, single submitter. Criteria: GeneDx Variant Classification Process June 2021. Collection method: clinical testing. Allele origin: germline. Affected: yes.
Comment: Not observed at significant frequency in large population cohorts (gnomAD); In silico analysis supports that this missense variant has a deleterious effect on protein structure/function; Has not been previously published as pathogenic or benign to our knowledge; Variants in candidate genes are classified as variants of uncertain significance in accordance with ACMG guidelines (Richards et al., 2015)

NM_015202.5(KATNIP):c.4522A>G (p.Thr1508Ala)

Gene: KATNIP (katanin interacting protein; plus strand). Cytogenetic location: 16p12.1.
Variant type: single nucleotide variant.
Coding change: c.4522A>G on transcript NM_015202.5 (MANE Select); coding-DNA position 4522, A replaced by G.
Protein change: p.Thr1508Ala; replaces threonine 1508 with alanine.
Molecular consequence: missense variant.
Genome position (GRCh38, 1-based): chr16:27,777,000, A>G. VCF-style: chr16-27777000-A-G. GRCh37 (hg19) VCF-style: chr16-27788321-A-G.
Other names: short protein forms T1508A.
Identifiers: ClinVar variation 2499188 (VCV002499188.1), dbSNP rs2082522703, ClinGen allele CA395331842.